The following is an entry in ClinVar:

ClinVar aggregate classification (germline): Likely benign (1 of 4 stars; one submission).

Submission:

CeGaT Center for Human Genetics Tuebingen
Classification: Likely benign. Last evaluated: 2026-09-01. Review status: criteria provided, single submitter. Criteria: CeGaT Center For Human Genetics Tuebingen Variant Classification Criteria Version 2. Collection method: clinical testing. Allele origin: germline. Affected: yes. Observed: 1 variant allele.
Comment: DMD: PM4:Supporting, BS2

NM_004006.3(DMD):c.10997_10999del (p.Ser3666del)

Gene: DMD (dystrophin; minus strand). Cytogenetic location: Xp21.2.
Variant type: Deletion.
Coding change: c.10997_10999del on transcript NM_004006.3 (MANE Select); coding-DNA positions 10997 to 10999, 3 bases deleted (CCT; older notation c.10997_10999delCCT).
Protein change: p.Ser3666del; deletes serine 3666.
Genome position (GRCh38, 1-based): chrX:31,134,117-31,134,119, AGG deleted on the plus strand (CCT on the coding strand, the reverse complement: DMD is on the minus strand); deleting any 3 consecutive bases within chrX:31,134,117-31,134,121 gives the same sequence; the c. name uses the placement nearest the transcript's 3' end. VCF-style (leftmost placement, unchanged base first): chrX-31134116-AAGG-A. GRCh37 (hg19) VCF-style: chrX-31152233-AAGG-A.
Other names: c.10973_10975del, p.Ser3658del (NM_000109.4); c.10985_10987del, p.Ser3662del (NM_004009.3); c.10628_10630del, p.Ser3543del (NM_004010.3); c.6974_6976del, p.Ser2325del (NM_004011.4); c.6965_6967del, p.Ser2322del (NM_004012.4); c.3617_3619del, p.Ser1206del (NM_004013.3, NM_004021.3); c.2810_2812del, p.Ser937del (NM_004014.3); c.1793_1795del, p.Ser598del (NM_004015.3, NM_004016.3); and 3 more; short protein forms S1096del, S1193del, S1206del, S2322del, S2325del, S3543del, S3658del, S3662del.
Identifiers: ClinVar variation 5041638 (VCV005041638.1).